The following is an entry in ClinVar:

ClinVar aggregate classification (germline): Uncertain significance (1 of 4 stars; one submission).

Submission:

GeneDx
Classification: Uncertain significance. Last evaluated: 2024-05-08. Review status: criteria provided, single submitter. Criteria: GeneDx Variant Classification Process June 2021. Collection method: clinical testing. Allele origin: germline. Affected: yes.
Comment: Not observed at significant frequency in large population cohorts (gnomAD); In silico analysis supports that this missense variant has a deleterious effect on protein structure/function; Has not been previously published as pathogenic or benign to our knowledge

NM_024408.4(NOTCH2):c.6806G>T (p.Gly2269Val)

Gene: NOTCH2 (notch receptor 2; minus strand). Cytogenetic location: 1p12.
Variant type: single nucleotide variant.
Coding change: c.6806G>T on transcript NM_024408.4 (MANE Select); coding-DNA position 6806, G replaced by T.
Protein change: p.Gly2269Val; replaces glycine 2269 with valine.
Molecular consequence: missense variant.
Genome position (GRCh38, 1-based): chr1:119,915,916, C>A on the plus strand (G>T on the coding strand, the complement: NOTCH2 is on the minus strand). VCF-style: chr1-119915916-C-A. GRCh37 (hg19) VCF-style: chr1-120458539-C-A.
Other names: short protein forms G2269V.
Identifiers: ClinVar variation 453074 (VCV000453074.2), dbSNP rs1553193512, ClinGen allele CA341875641.